The following is an entry in ClinVar:

ClinVar aggregate classification (germline): Likely benign. Review status: criteria provided, multiple submitters, no conflicts (2 of 4 stars). 2 submissions from 2 submitters: Likely benign (2). Last evaluated 2026-04-01.

Allele frequency attached by ClinVar (database versions not stated): TOPMed 0.00024; 1000 Genomes Project 0.00060; 1000 Genomes Project 30x 0.00062; ExAC 0.00003; gnomAD 0.00003; gnomAD exomes 0.00003 and 0.00016.

Submissions (2):

CeGaT Center for Human Genetics Tuebingen
Classification: Likely benign. Last evaluated: 2026-04-01. Review status: criteria provided, single submitter. Criteria: CeGaT Center For Human Genetics Tuebingen Variant Classification Criteria Version 2. Collection method: clinical testing. Allele origin: germline. Affected: yes. Observed: 1 variant allele.
Comment: NIN: BP4, BP7

Labcorp Genetics (formerly Invitae), Labcorp
Classification: Likely benign. Last evaluated: 2025-10-22. Review status: criteria provided, single submitter. Criteria: Invitae Variant Classification Sherloc (09022015). Collection method: clinical testing. Allele origin: germline.

NM_020921.4(NIN):c.2382G>A (p.Arg794=)

Gene: NIN (ninein; minus strand). Cytogenetic location: 14q22.1.
Variant type: single nucleotide variant.
Coding change: c.2382G>A on transcript NM_020921.4 (MANE Select); coding-DNA position 2382, G replaced by A.
Protein change: p.Arg794=; no amino-acid change (arginine 794 retained).
Molecular consequence: synonymous variant.
Genome position (GRCh38, 1-based): chr14:50,759,874, C>T on the plus strand (G>A on the coding strand, the complement: NIN is on the minus strand). VCF-style: chr14-50759874-C-T. GRCh37 (hg19) VCF-style: chr14-51226592-C-T.
Other names: c.2382G>A, p.Arg794= (NM_016350.5, NM_182944.3, NM_182946.2).
Identifiers: ClinVar variation 740931 (VCV000740931.11), dbSNP rs185525956, ClinGen allele CA7181965.
Genomic context (GRCh38, chr14:50,759,874, plus strand): 5'-GGGATGGTGCCCCAGGTAGCTTCATTTCCCTTCACTTTCTTACCTTCCCTCCTGAAGCTC[C>T]CTTTGGTGCTTTTCCAAGAGCTCTTTTCTTAACTCCTCTTTCTCAAGAGTGTGTTTCTCC-3'
Protein context (NP_065972.4, residues 784-804): LRKELLEKHQ[Arg794=]ELQEGREKME